The following is an entry in ClinVar:

NM_001253697.2(ERBIN):c.992A>G (p.His331Arg)

Gene: ERBIN (erbb2 interacting protein; plus strand). Cytogenetic location: 5q12.3.
Variant type: single nucleotide variant.
Coding change: c.992A>G on transcript NM_001253697.2 (MANE Select); coding-DNA position 992, A replaced by G.
Protein change: p.His331Arg; replaces histidine 331 with arginine.
Molecular consequence: missense variant.
Genome position (GRCh38, 1-based): chr5:66,025,949, A>G. VCF-style: chr5-66025949-A-G. GRCh37 (hg19) VCF-style: chr5-65321777-A-G.
Other names: c.992A>G, p.His331Arg (NM_001006600.3, NM_001253698.2, NM_001253699.2 and 2 more transcripts); short protein forms H331R.
Identifiers: ClinVar variation 2706112 (VCV002706112.3), dbSNP rs2546719925, ClinGen allele CA359975389.

ClinVar aggregate classification (germline): Uncertain significance (1 of 4 stars; one submission).

Allele frequency attached by ClinVar (database versions not stated): gnomAD exomes below 0.00001.
gnomAD v4.1: 3 of 1,590,560 alleles (0.00019%); highest among the groups gnomAD compares: Non-Finnish European, 0.00026%; no homozygotes.

Submission:

Labcorp Genetics (formerly Invitae), Labcorp
Classification: Uncertain significance. Last evaluated: 2023-06-09. Review status: criteria provided, single submitter. Criteria: Invitae Variant Classification Sherloc (09022015). Collection method: clinical testing. Allele origin: germline.
Comment: An algorithm developed to predict the effect of missense changes on protein structure and function (PolyPhen-2) suggests that this variant is likely to be disruptive. This variant has not been reported in the literature in individuals affected with ERBIN-related conditions. This variant is not present in population databases (gnomAD no frequency). This sequence change replaces histidine, which is basic and polar, with arginine, which is basic and polar, at codon 331 of the ERBIN protein (p.His331Arg). In summary, the available evidence is currently insufficient to determine the role of this variant in disease. Therefore, it has been classified as a Variant of Uncertain Significance.